The following is an entry in ClinVar:

ClinVar aggregate classification (germline): Likely benign (1 of 4 stars; one submission).

Allele frequency attached by ClinVar (database versions not stated): 1000 Genomes Project 30x 0.00016; 1000 Genomes Project 0.00020.

Submission:

CeGaT Center for Human Genetics Tuebingen
Classification: Likely benign. Last evaluated: 2023-07-01. Review status: criteria provided, single submitter. Criteria: CeGaT Center For Human Genetics Tuebingen Variant Classification Criteria Version 2. Collection method: clinical testing. Allele origin: germline. Affected: yes. Observed: 1 variant allele.
Comment: DLK1: BP4, BP7

NM_003836.7(DLK1):c.933C>A (p.Gly311=)

Gene: DLK1 (delta like non-canonical Notch ligand 1; plus strand). Cytogenetic location: 14q32.2.
Variant type: single nucleotide variant.
Coding change: c.933C>A on transcript NM_003836.7 (MANE Select); coding-DNA position 933, C replaced by A.
Protein change: p.Gly311=; no amino-acid change (glycine 311 retained).
Molecular consequence: synonymous variant.
Genome position (GRCh38, 1-based): chr14:100,734,677, C>A. VCF-style: chr14-100734677-C-A. GRCh37 (hg19) VCF-style: chr14-101201014-C-A.
Other names: c.714C>A, p.Gly238= (NM_001317172.2).
Identifiers: ClinVar variation 2644537 (VCV002644537.24), dbSNP rs573553673, ClinGen allele CA266887034.